The following is an entry in ClinVar:

NM_020778.5(ALPK3):c.1661A>G (p.Glu554Gly)

Gene: ALPK3 (alpha kinase 3; plus strand). Cytogenetic location: 15q25.3.
Variant type: single nucleotide variant.
Coding change: c.1661A>G on transcript NM_020778.5 (MANE Select); coding-DNA position 1661, A replaced by G.
Protein change: p.Glu554Gly; replaces glutamic acid 554 with glycine.
Molecular consequence: missense variant.
Genome position (GRCh38, 1-based): chr15:84,856,399, A>G. VCF-style: chr15-84856399-A-G. GRCh37 (hg19) VCF-style: chr15-85399630-A-G.
Other names: short protein forms E554G.
Identifiers: ClinVar variation 3731620 (VCV003731620.1).

ClinVar aggregate classification (germline): Uncertain significance (1 of 4 stars; one submission).

Conditions:
pediatric-onset cardiomyopathy.

Submission:

Clinical Genomics Laboratory, Stanford Medicine
Classification: Uncertain significance for pediatric-onset cardiomyopathy. Last evaluated: 2022-03-17. Review status: criteria provided, single submitter. Criteria: ACMG Guidelines, 2015. Collection method: clinical testing. Allele origin: germline. Observed: 1 variant allele, 1 heterozygote.
Comment: The p.Glu756Gly variant in the ALPK3 gene has not been previously reported in association with disease. This variant was absent from large population databases, including the Genome Aggregation Database. Computational tools predict that this variant does not impact protein function; however, the accuracy of in silico algorithms is limited. In summary, the significance of the p.Glu756Gly variant is uncertain. Additional information is needed to resolve the significance of this variant. [ACMG evidence codes used: PM2; BP4]